The following is an entry in ClinVar:

NM_000417.3(IL2RA):c.282G>A (p.Val94=)

Gene: IL2RA (interleukin 2 receptor subunit alpha; minus strand). Cytogenetic location: 10p15.1.
Variant type: single nucleotide variant.
Coding change: c.282G>A on transcript NM_000417.3 (MANE Select); coding-DNA position 282, G replaced by A.
Protein change: p.Val94=; no amino-acid change (valine 94 retained).
Molecular consequence: synonymous variant.
Genome position (GRCh38, 1-based): chr10:6,024,329, C>T on the plus strand (G>A on the coding strand, the complement: IL2RA is on the minus strand). VCF-style: chr10-6024329-C-T. GRCh37 (hg19) VCF-style: chr10-6066292-C-T.
Other names: c.282G>A, p.Val94= (NM_001308242.2, NM_001308243.2).
Identifiers: ClinVar variation 1549249 (VCV001549249.31), dbSNP rs774606930, ClinGen allele CA5397497.
Genomic context (GRCh38, chr10:6,024,329, plus strand): 5'-CTGCATTGGACTTTGCATTTCTGTGGTTTTCCTTTCTTTCTGTTCTTCAGGTTGAGGTGT[C>T]ACTTGTTTCGTTGTGTTCCGAGTGGCTAGAAAATATAGATGGAATGATGCAGATAATTTC-3'
Protein context (NP_000408.1, residues 84-104): SSATRNTTKQ[Val94=]TPQPEEQKER

ClinVar aggregate classification (germline): Likely benign. Review status: criteria provided, multiple submitters, no conflicts (2 of 4 stars). 2 submissions from 2 submitters: Likely benign (2). Last evaluated 2025-04-17.

Conditions:
Immunodeficiency due to CD25 deficiency. Also called: IMMUNODEFICIENCY 41 WITH LYMPHOPROLIFERATION AND AUTOIMMUNITY; CD25 DEFICIENCY; IL2RA DEFICIENCY. Identifiers: Orphanet 169100, MedGen C1853392, MONDO:0011664, OMIM 606367.

Allele frequency attached by ClinVar (database versions not stated): gnomAD exomes below 0.00001 and 0.00001; ExAC 0.00001.
gnomAD v4.1: 15 of 1,613,932 alleles (0.00093%); highest among the groups gnomAD compares: Non-Finnish European, 0.0013%; no homozygotes.

Submissions (2):

Labcorp Genetics (formerly Invitae), Labcorp
Classification: Likely benign for Immunodeficiency due to CD25 deficiency. Last evaluated: 2025-04-17. Review status: criteria provided, single submitter. Criteria: Invitae Variant Classification Sherloc (09022015). Collection method: clinical testing. Allele origin: germline.

CeGaT Center for Human Genetics Tuebingen
Classification: Likely benign. Last evaluated: 2023-01-01. Review status: criteria provided, single submitter. Criteria: CeGaT Center For Human Genetics Tuebingen Variant Classification Criteria Version 2. Collection method: clinical testing. Allele origin: germline. Affected: yes. Observed: 1 variant allele.
Comment: IL2RA: BP4, BP7